The following is an entry in ClinVar:

NM_024408.4(NOTCH2):c.1823T>G (p.Ile608Ser)

Gene: NOTCH2 (notch receptor 2; minus strand). Cytogenetic location: 1p12.
Variant type: single nucleotide variant.
Coding change: c.1823T>G on transcript NM_024408.4 (MANE Select); coding-DNA position 1823, T replaced by G.
Protein change: p.Ile608Ser; replaces isoleucine 608 with serine.
Molecular consequence: missense variant.
Genome position (GRCh38, 1-based): chr1:119,963,666, A>C on the plus strand (T>G on the coding strand, the complement: NOTCH2 is on the minus strand). VCF-style: chr1-119963666-A-C. GRCh37 (hg19) VCF-style: chr1-120506289-A-C.
Other names: c.1823T>G, p.Ile608Ser (NM_001200001.2); short protein forms I608S.
Identifiers: ClinVar variation 2701668 (VCV002701668.3), dbSNP rs1553199299, ClinGen allele CA341873024.

ClinVar aggregate classification (germline): Uncertain significance (1 of 4 stars; one submission).

Conditions:
Hajdu-Cheney syndrome (HJCYS). Also called: SERPENTINE FIBULA-POLYCYSTIC KIDNEY SYNDROME; Acroosteolysis dominant type; ACROOSTEOLYSIS WITH OSTEOPOROSIS AND CHANGES IN SKULL AND MANDIBLE. Identifiers: Orphanet 955, MedGen C0917715, MONDO:0007057, OMIM 102500.

Submission:

Labcorp Genetics (formerly Invitae), Labcorp
Classification: Uncertain significance for Hajdu-Cheney syndrome. Last evaluated: 2023-12-09. Review status: criteria provided, single submitter. Criteria: Invitae Variant Classification Sherloc (09022015). Collection method: clinical testing. Allele origin: germline.
Comment: This sequence change replaces isoleucine, which is neutral and non-polar, with serine, which is neutral and polar, at codon 608 of the NOTCH2 protein (p.Ile608Ser). This variant is not present in population databases (gnomAD no frequency). This variant has not been reported in the literature in individuals affected with NOTCH2-related conditions. Advanced modeling of protein sequence and biophysical properties (such as structural, functional, and spatial information, amino acid conservation, physicochemical variation, residue mobility, and thermodynamic stability) performed at Invitae indicates that this missense variant is not expected to disrupt NOTCH2 protein function with a negative predictive value of 80%. In summary, the available evidence is currently insufficient to determine the role of this variant in disease. Therefore, it has been classified as a Variant of Uncertain Significance.